The following is an entry in ClinVar:

NM_021615.5(CHST6):c.*5286A>T

Gene: CHST6 (carbohydrate sulfotransferase 6; minus strand). Cytogenetic location: 16q23.1.
Variant type: single nucleotide variant.
Coding change: c.*5286A>T on transcript NM_021615.5 (MANE Select); 5286 bases downstream of the stop codon, A replaced by T.
Molecular consequence: 3 prime UTR variant. On other transcripts: non-coding transcript variant (2).
Genome position (GRCh38, 1-based): chr16:75,473,355, T>A on the plus strand (A>T on the coding strand, the complement: CHST6 is on the minus strand). VCF-style: chr16-75473355-T-A. GRCh37 (hg19) VCF-style: chr16-75507253-T-A.
Identifiers: ClinVar variation 320507 (VCV000320507.5), dbSNP rs9923834, ClinGen allele CA10648946.
Genomic context (GRCh38, chr16:75,473,355, plus strand): 5'-AAGGTAGCCGAAGTGGCTGCGTGCGGATCAGCTGGAGCTGGCTGGTCTAGGATGGCCTGG[T>A]TTGGGACCCCTGAACTCTCCTTCTCATGGTCTCTGCTTGTCCAGCAGGCTGGCCTGGGCT-3'

ClinVar aggregate classification (germline): Benign (1 of 4 stars; one submission).

Conditions:
Macular corneal dystrophy (MCD). Also called: GROENOUW TYPE II CORNEAL DYSTROPHY; Macular corneal dystrophy Type I. Identifiers: Orphanet 98969, MedGen C1636149, MONDO:0009020, OMIM 217800.

Allele frequency attached by ClinVar (database versions not stated): 1000 Genomes Project 0.79273; 1000 Genomes Project 30x 0.79575; TOPMed 0.82454; gnomAD 0.82593 and 0.82602; gnomAD exomes 0.82990.
gnomAD v4.1: 125,569 of 151,986 alleles (83%); highest among the groups gnomAD compares: Middle Eastern, 91%; 52,022 homozygotes.

Submission:

Illumina Laboratory Services, Illumina
Classification: Benign for Macular corneal dystrophy. Last evaluated: 2018-01-12. Review status: criteria provided, single submitter. Criteria: ICSL Variant Classification Criteria 13 December 2019. Collection method: clinical testing. Allele origin: germline.
Comment: This variant was observed in the ICSL laboratory as part of a predisposition screen in an ostensibly healthy population. It had not been previously curated by ICSL or reported in the Human Gene Mutation Database (HGMD: prior to June 1st, 2018), and was therefore a candidate for classification through an automated scoring system. Utilizing variant allele frequency, disease prevalence and penetrance estimates, and inheritance mode, an automated score was calculated to assess if this variant is too frequent to cause the disease. Based on the score and internal cut-off values, a variant classified as benign is not then subjected to further curation. The score for this variant resulted in a classification of benign for this disease.